The following is an entry in ClinVar:

NM_001291867.2(NHS):c.814C>T (p.Gln272Ter)

Gene: NHS (NHS actin remodeling regulator; plus strand). Cytogenetic location: Xp22.13.
Variant type: single nucleotide variant.
Coding change: c.814C>T on transcript NM_001291867.2 (MANE Select); coding-DNA position 814, C replaced by T.
Protein change: p.Gln272Ter; replaces glutamine 272 with a stop codon.
Molecular consequence: nonsense.
Genome position (GRCh38, 1-based): chrX:17,692,430, C>T. VCF-style: chrX-17692430-C-T. GRCh37 (hg19) VCF-style: chrX-17710550-C-T.
Other names: c.283C>T, p.Gln95Ter (NM_001136024.4, NM_001291868.2); c.814C>T, p.Gln272Ter (NM_198270.4); short protein forms Q272*, Q95*.
Identifiers: ClinVar variation 577103 (VCV000577103.6), dbSNP rs1569310288, ClinGen allele CA412327309.
Genomic context (GRCh38, chrX:17,692,430, plus strand): 5'-GCAGCTGCCCCCCTTTCCATTGCAGCTCCTCCACTGCCAGCCTACCCTCCAGCTCACAGC[C>T]AGAGGAGGCGTGAGTTTAAGGACCGTCACTTTTTAACGGTAAGTTTGGTGGCCACCTGCA-3'

ClinVar aggregate classification (germline): Pathogenic (1 of 4 stars; one submission).

Conditions:
Nance-Horan syndrome (NHS). Identifiers: Orphanet 627, MedGen C0796085, MONDO:0010545, OMIM 302350.

Submission:

Labcorp Genetics (formerly Invitae), Labcorp
Classification: Pathogenic for Nance-Horan syndrome. Last evaluated: 2020-04-08. Review status: criteria provided, single submitter. Criteria: Invitae Variant Classification Sherloc (09022015). Collection method: clinical testing. Allele origin: germline.
Comment: For these reasons, this variant has been classified as Pathogenic. Loss-of-function variants in NHS are known to be pathogenic (PMID: 14564667, 19414485). This variant has not been reported in the literature in individuals with NHS-related disease. This variant is not present in population databases (ExAC no frequency). This sequence change creates a premature translational stop signal (p.Gln272*) in the NHS gene. It is expected to result in an absent or disrupted protein product.

Literature cited by the submitters: PubMed 14564667; PubMed 19414485.